The following is an entry in ClinVar:

ClinVar aggregate classification (germline): Uncertain significance. Review status: criteria provided, single submitter (1 of 4 stars). 2 submissions from 2 submitters: Uncertain significance (1). 1 of the submissions does not count toward it. Last evaluated 2024-01-20.

Conditions:
Hyper-IgE recurrent infection syndrome 3, autosomal recessive. Also called: HYPER-IgE SYNDROME 3, AUTOSOMAL RECESSIVE, WITH RECURRENT INFECTIONS; Autosomal recessive hyper-IgE syndrome due to ZNF341 deficiency. Identifiers: Orphanet 641368, MedGen C4748969, MONDO:0032654, OMIM 618282.
Intellectual disability. Also called: Intellectual developmental disorder; Intellectual functioning disability; intellectual disabilities. Identifiers: MedGen C3714756, MeSH D008607, MONDO:0001071, HP:0001249.

Allele frequency attached by ClinVar (database versions not stated): gnomAD 0.00001; gnomAD exomes 0.00001 and 0.00002; TOPMed 0.00002; ExAC 0.00002.
gnomAD v4.1: 27 of 1,614,058 alleles (0.0017%); highest among the groups gnomAD compares: Non-Finnish European, 0.002%; no homozygotes.

Submissions (2):

Labcorp Genetics (formerly Invitae), Labcorp
Classification: Uncertain significance for Combined immunodeficiency due to DOCK8 deficiency. Last evaluated: 2024-01-20. Review status: criteria provided, single submitter. Criteria: Invitae Variant Classification Sherloc (09022015). Collection method: clinical testing. Allele origin: germline.
Comment: This sequence change replaces serine, which is neutral and polar, with asparagine, which is neutral and polar, at codon 407 of the DOCK8 protein (p.Ser407Asn). This variant is present in population databases (rs774744500, gnomAD 0.003%). This variant has not been reported in the literature in individuals affected with DOCK8-related conditions. ClinVar contains an entry for this variant (Variation ID: 839878). Advanced modeling of protein sequence and biophysical properties (such as structural, functional, and spatial information, amino acid conservation, physicochemical variation, residue mobility, and thermodynamic stability) performed at Invitae indicates that this missense variant is not expected to disrupt DOCK8 protein function with a negative predictive value of 80%. In summary, the available evidence is currently insufficient to determine the role of this variant in disease. Therefore, it has been classified as a Variant of Uncertain Significance.

Centre de Biologie Pathologie Génétique, Centre Hospitalier Universitaire de Lille
Classification: Likely benign for Intellectual disability. Last evaluated: 2019-01-01. Review status: no assertion criteria provided. Collection method: clinical testing. Allele origin: inherited. Affected: yes. Not counted in ClinVar's aggregate classification.

NM_203447.4(DOCK8):c.1220G>A (p.Ser407Asn)

Gene: DOCK8 (dedicator of cytokinesis 8; plus strand). Cytogenetic location: 9p24.3.
Variant type: single nucleotide variant.
Coding change: c.1220G>A on transcript NM_203447.4 (MANE Select); coding-DNA position 1220, G replaced by A.
Protein change: p.Ser407Asn; replaces serine 407 with asparagine.
Molecular consequence: missense variant.
Genome position (GRCh38, 1-based): chr9:334,319, G>A. VCF-style: chr9-334319-G-A. GRCh37 (hg19) VCF-style: chr9-334319-G-A.
Other names: c.1016G>A, p.Ser339Asn (NM_001190458.2, NM_001193536.2); short protein forms S339N, S407N.
Identifiers: ClinVar variation 839878 (VCV000839878.9), dbSNP rs774744500, ClinGen allele CA4957648.